The following is an entry in ClinVar:

ClinVar aggregate classification (germline): Likely pathogenic (1 of 4 stars; one submission).

Conditions:
Bifunctional peroxisomal enzyme deficiency (DBIF). Also called: DBP DEFICIENCY; PBFE DEFICIENCY; D-bifunctional protein deficiency. Identifiers: Orphanet 300, MedGen C0342870, MONDO:0009855, OMIM 261515. Disease mechanism: loss of function.

Submission:

Myriad Genetics, Inc.
Classification: Likely pathogenic for Bifunctional peroxisomal enzyme deficiency. Last evaluated: 2022-02-01. Review status: criteria provided, single submitter. Criteria: Myriad Autosomal Dominant, Autosomal Recessive and X-Linked Classification Criteria (2023). Collection method: clinical testing. Allele origin: unknown.
Comment: NM_000414.3(HSD17B4):c.625_631del7(L209Kfs*3) is expected to be pathogenic in the context of HSD17B4-related disorders. This variant is predicted to lead to an abnormal or absent protein product due to the creation of a premature termination codon in HSD17B4, a gene where loss-of-function variants are known to be pathogenic. Please note: this variant was assessed in the context of healthy population screening.

NM_000414.4(HSD17B4):c.625_631del (p.Leu209fs)

Gene: HSD17B4 (hydroxysteroid 17-beta dehydrogenase 4; plus strand). Cytogenetic location: 5q23.1.
Variant type: Deletion.
Coding change: c.625_631del on transcript NM_000414.4 (MANE Select); coding-DNA positions 625 to 631, 7 bases deleted (CTTGTGG; older notation c.625_631delCTTGTGG).
Protein change: p.Leu209fs; shifts the reading frame from leucine 209.
Molecular consequence: frameshift variant. On other transcripts: non-coding transcript variant (2).
Genome position (GRCh38, 1-based): chr5:119,489,194-119,489,200, CTTGTGG deleted. VCF-style (leftmost placement, unchanged base first): chr5-119489193-TCTTGTGG-T. GRCh37 (hg19) VCF-style: chr5-118824888-TCTTGTGG-T.
Other names: c.700_706del, p.Leu234fs (NM_001199291.3); c.571_577del, p.Leu191fs (NM_001199292.2); c.553_559del, p.Leu185fs (NM_001292027.2); c.205_211del, p.Leu69fs (NM_001292028.2); c.616_622del, p.Leu206fs (NM_001374497.1); c.625_631del, p.Leu209fs (NM_001374498.1); c.298_304del, p.Leu100fs (NM_001374499.1); c.184_190del, p.Leu62fs (NM_001374500.1); and 1 more; short protein forms L100fs, L185fs, L191fs, L206fs, L209fs, L234fs, L62fs, L69fs.
Identifiers: ClinVar variation 1724206 (VCV001724206.3), dbSNP rs2531676052, ClinGen allele CA2580072401.